The following is an entry in ClinVar:

NM_000719.7(CACNA1C):c.2460+1G>A

Gene: CACNA1C (calcium voltage-gated channel subunit alpha1 C; plus strand). Cytogenetic location: 12p13.33.
Variant type: single nucleotide variant.
Coding change: c.2460+1G>A on transcript NM_000719.7 (MANE Select); the canonical splice donor site of the intron after coding-DNA position 2460, G replaced by A.
Molecular consequence: splice donor variant.
Genome position (GRCh38, 1-based): chr12:2,585,497, G>A. VCF-style: chr12-2585497-G-A. GRCh37 (hg19) VCF-style: chr12-2694663-G-A.
Other names: c.2460+1G>A (NM_001167624.3, NM_001167623.2, NM_001167625.2 and 18 more transcripts); c.2451+1G>A (NM_001129844.2).
Identifiers: ClinVar variation 1057116 (VCV001057116.9), dbSNP rs2153231763, ClinGen allele CA383371867.

ClinVar aggregate classification (germline): Uncertain significance (1 of 4 stars; one submission).

Conditions:
Long QT syndrome (LQTS). Identifiers: MedGen C0023976, MeSH D008133, MONDO:0002442. Disease mechanism: loss of function. Inheritance: Various modes of inheritance.

Submission:

Labcorp Genetics (formerly Invitae), Labcorp
Classification: Uncertain significance for Long QT syndrome. Last evaluated: 2020-01-31. Review status: criteria provided, single submitter. Criteria: Invitae Variant Classification Sherloc (09022015). Collection method: clinical testing. Allele origin: germline.
Comment: In summary, the available evidence is currently insufficient to determine the role of this variant in disease. Therefore, it has been classified as a Variant of Uncertain Significance. The current clinical and genetic evidence is not sufficient to establish whether loss-of-function variants in CACNA1C cause disease. Algorithms developed to predict the effect of sequence changes on RNA splicing suggest that this variant may disrupt the consensus splice site, but this prediction has not been confirmed by published transcriptional studies. This variant has not been reported in the literature in individuals with CACNA1C-related conditions. The frequency data for this variant in the population databases is considered unreliable, as metrics indicate insufficient coverage at this position in the ExAC database. This sequence change affects a donor splice site in intron 17 of the CACNA1C gene. It is expected to disrupt RNA splicing and likely results in an absent or disrupted protein product.